The following is an entry in ClinVar:

NM_001354604.2(MITF):c.1061T>G (p.Leu354Ter)

Gene: MITF (melanocyte inducing transcription factor; plus strand). Cytogenetic location: 3p13.
Variant type: single nucleotide variant.
Coding change: c.1061T>G on transcript NM_001354604.2 (MANE Select); coding-DNA position 1061, T replaced by G.
Protein change: p.Leu354Ter; replaces leucine 354 with a stop codon.
Molecular consequence: nonsense.
Genome position (GRCh38, 1-based): chr3:69,959,302, T>G. VCF-style: chr3-69959302-T-G. GRCh37 (hg19) VCF-style: chr3-70008453-T-G.
Other names: c.740T>G, p.Leu247Ter (NM_000248.4); c.887T>G, p.Leu296Ter (NM_001184967.2, NM_001354608.2); c.1058T>G, p.Leu353Ter (NM_001354605.2); c.1040T>G, p.Leu347Ter (NM_001354606.2, NM_006722.3); c.992T>G, p.Leu331Ter (NM_001354607.2); c.722T>G, p.Leu241Ter (NM_198158.3); c.1043T>G, p.Leu348Ter (NM_198159.3); c.995T>G, p.Leu332Ter (NM_198177.3); and 1 more; short protein forms L185*, L241*, L247*, L296*, L331*, L332*, L347*, L348*.
Identifiers: ClinVar variation 1324720 (VCV001324720.6), dbSNP rs2107537021, ClinGen allele CA353561938.
Genomic context (GRCh38, chr3:69,959,302, plus strand): 5'-AAATATCTGTTTTCCTCCATTTTCATCGCAGAGACATGCGCTGGAACAAGGGAACCATCT[T>G]AAAAGCATCCGTGGACTATATCCGAAAGTTGCAACGAGAACAGCAACGCGCAAAAGAACT-3'

ClinVar aggregate classification (germline): Pathogenic (1 of 4 stars; one submission).

Conditions:
Tietz syndrome (TADS). Also called: HYPOPIGMENTATION/DEAFNESS OF TIETZ; TIETZ ALBINISM-DEAFNESS SYNDROME; ALBINISM-DEAFNESS OF TIETZ. Identifiers: Orphanet 42665, MedGen C0391816, MONDO:0007077, OMIM 103500.
Waardenburg syndrome type 2A (WS2A). Also called: WAARDENBURG SYNDROME WITHOUT DYSTOPIA CANTHORUM. Identifiers: Orphanet 3440, MedGen C1860339, MONDO:0008671, OMIM 193510.
Melanoma, cutaneous malignant, susceptibility to, 8. Also called: MELANOMA AND RENAL CELL CARCINOMA, SUSCEPTIBILITY TO; Cutaneous malignant melanoma 8. Identifiers: Orphanet 293822, MedGen C3152204, MONDO:0013759, OMIM 614456.

Submission:

Labcorp Genetics (formerly Invitae), Labcorp
Classification: Pathogenic for Melanoma, cutaneous malignant, susceptibility to, 8; Waardenburg syndrome type 2A; Tietz syndrome. Last evaluated: 2022-09-30. Review status: criteria provided, single submitter. Criteria: Invitae Variant Classification Sherloc (09022015). Collection method: clinical testing. Allele origin: germline.
Comment: ClinVar contains an entry for this variant (Variation ID: 1324720). For these reasons, this variant has been classified as Pathogenic. This variant has not been reported in the literature in individuals affected with MITF-related conditions. This variant is not present in population databases (gnomAD no frequency). This sequence change creates a premature translational stop signal (p.Leu247*) in the MITF gene. It is expected to result in an absent or disrupted protein product. Loss-of-function variants in MITF are known to be pathogenic (PMID: 8659547, 20127975).

Literature cited by the submitters: PubMed 8659547; PubMed 20127975.